The following is an entry in ClinVar:

ClinVar aggregate classification (germline): Likely benign. Review status: criteria provided, multiple submitters, no conflicts (2 of 4 stars). 3 submissions from 3 submitters: Likely benign (3). Last evaluated 2025-11-01.

Conditions:
Familial focal epilepsy with variable foci (FPEVF). Identifiers: Orphanet 98820, MedGen C1858477, MONDO:0020310.

Allele frequency attached by ClinVar (database versions not stated): ExAC 0.00006; gnomAD exomes 0.00006; ESP Exome Variant Server 0.00008; TOPMed 0.00013; gnomAD 0.00017 and 0.00018.
gnomAD v4.1: 208 of 1,614,014 alleles (0.013%); highest among the groups gnomAD compares: African/African-American, 0.017%; no homozygotes.

Submissions (3):

CeGaT Center for Human Genetics Tuebingen
Classification: Likely benign. Last evaluated: 2025-11-01. Review status: criteria provided, single submitter. Criteria: CeGaT Center For Human Genetics Tuebingen Variant Classification Criteria Version 2. Collection method: clinical testing. Allele origin: germline. Affected: yes. Observed: 6 variant alleles.
Comment: DEPDC5: BP4, BP7

Labcorp Genetics (formerly Invitae), Labcorp
Classification: Likely benign for Familial focal epilepsy with variable foci. Last evaluated: 2025-10-20. Review status: criteria provided, single submitter. Criteria: Invitae Variant Classification Sherloc (09022015). Collection method: clinical testing. Allele origin: germline.

Blueprint Genetics
Classification: Likely benign. Last evaluated: 2024-11-19. Review status: criteria provided, single submitter. Criteria: ACMG Guidelines, 2015. Collection method: clinical testing. Allele origin: germline.

NM_001242896.3(DEPDC5):c.1353C>T (p.Asn451=)

Gene: DEPDC5 (DEP domain containing 5, GATOR1 subcomplex subunit; plus strand). Cytogenetic location: 22q12.3.
Variant type: single nucleotide variant.
Coding change: c.1353C>T on transcript NM_001242896.3 (MANE Select); coding-DNA position 1353, C replaced by T.
Protein change: p.Asn451=; no amino-acid change (asparagine 451 retained).
Molecular consequence: synonymous variant. On other transcripts: non-coding transcript variant (5).
Genome position (GRCh38, 1-based): chr22:31,810,549, C>T. VCF-style: chr22-31810549-C-T. GRCh37 (hg19) VCF-style: chr22-32206535-C-T.
Other names: c.1353C>T, p.Asn451= (NM_001007188.4, NM_001136029.4, NM_001242897.2 and 7 more transcripts); c.1269C>T, p.Asn423= (NM_001369901.1, NM_001369902.1).
Identifiers: ClinVar variation 809350 (VCV000809350.50), dbSNP rs377336412, ClinGen allele CA10196347.